The following is an entry in ClinVar:

ClinVar aggregate classification (germline): Likely benign (0 of 4 stars; one submission).

Conditions:
BRD4-related disorder. Also called: BRD4-related condition.

gnomAD v4.1: 58 of 1,598,470 alleles (0.0036%); highest among the groups gnomAD compares: Middle Eastern, 0.033%; no homozygotes.

Submission:

PreventionGenetics, part of Exact Sciences
Classification: Likely benign for BRD4-related condition. Last evaluated: 2020-02-14. Review status: no assertion criteria provided. Collection method: clinical testing. Allele origin: germline.
Comment: This variant is classified as likely benign based on ACMG/AMP sequence variant interpretation guidelines (Richards et al. 2015 PMID: 25741868, with internal and published modifications).

NM_001379291.1(BRD4):c.2158+424C>T

Gene: BRD4 (bromodomain containing 4; minus strand). Cytogenetic location: 19p13.12.
Variant type: single nucleotide variant.
Coding change: c.2158+424C>T on transcript NM_001379291.1 (MANE Select); 424 bases into the intron after coding-DNA position 2158, C replaced by T.
Molecular consequence: intron variant. On other transcripts: synonymous variant (1).
Genome position (GRCh38, 1-based): chr19:15,253,728, G>A on the plus strand (C>T on the coding strand, the complement: BRD4 is on the minus strand). VCF-style: chr19-15253728-G-A. GRCh37 (hg19) VCF-style: chr19-15364539-G-A.
Other names: c.2214C>T, p.His738= (NM_001330384.2); c.2158+424C>T (NM_058243.3, NM_001379292.1, NM_014299.3).
Identifiers: ClinVar variation 3052100 (VCV003052100.2), dbSNP rs563115748, ClinGen allele CA9265149.